The following is an entry in ClinVar:

ClinVar aggregate classification (germline): Uncertain significance (1 of 4 stars; one submission).

gnomAD v4.1: 11 of 1,613,374 alleles (0.00068%); highest among the groups gnomAD compares: Non-Finnish European, 0.00093%; no homozygotes.

Submission:

Labcorp Genetics (formerly Invitae), Labcorp
Classification: Uncertain significance. Last evaluated: 2024-12-13. Review status: criteria provided, single submitter. Criteria: Invitae Variant Classification Sherloc (09022015). Collection method: clinical testing. Allele origin: germline.
Comment: This sequence change replaces aspartic acid, which is acidic and polar, with histidine, which is basic and polar, at codon 2494 of the DCHS1 protein (p.Asp2494His). This variant is not present in population databases (gnomAD no frequency). This variant has not been reported in the literature in individuals affected with DCHS1-related conditions. Invitae Evidence Modeling of protein sequence and biophysical properties (such as structural, functional, and spatial information, amino acid conservation, physicochemical variation, residue mobility, and thermodynamic stability) indicates that this missense variant is not expected to disrupt DCHS1 protein function with a negative predictive value of 80%. In summary, the available evidence is currently insufficient to determine the role of this variant in disease. Therefore, it has been classified as a Variant of Uncertain Significance.

NM_003737.4(DCHS1):c.7480G>C (p.Asp2494His)

Gene: DCHS1 (dachsous cadherin-related 1; minus strand). Cytogenetic location: 11p15.4.
Variant type: single nucleotide variant.
Coding change: c.7480G>C on transcript NM_003737.4 (MANE Select); coding-DNA position 7480, G replaced by C.
Protein change: p.Asp2494His; replaces aspartic acid 2494 with histidine.
Molecular consequence: missense variant.
Genome position (GRCh38, 1-based): chr11:6,624,196, C>G on the plus strand (G>C on the coding strand, the complement: DCHS1 is on the minus strand). VCF-style: chr11-6624196-C-G. GRCh37 (hg19) VCF-style: chr11-6645427-C-G.
Other names: short protein forms D2494H.
Identifiers: ClinVar variation 3672033 (VCV003672033.2).